The following is an entry in ClinVar:

NM_000051.4(ATM):c.7184A>C (p.Asp2395Ala)

Genes: C11orf65 (chromosome 11 open reading frame 65; minus strand), ATM (ATM serine/threonine kinase; plus strand). Cytogenetic location: 11q22.3.
Variant type: single nucleotide variant.
Coding change: c.7184A>C on transcript NM_000051.4 (MANE Select); coding-DNA position 7184, A replaced by C.
Protein change: p.Asp2395Ala; replaces aspartic acid 2395 with alanine.
Molecular consequence: missense variant. On other transcripts: intron variant (2).
Genome position (GRCh38, 1-based): chr11:108,329,115, A>C. VCF-style: chr11-108329115-A-C. GRCh37 (hg19) VCF-style: chr11-108199842-A-C.
Other names: c.7184A>C, p.Asp2395Ala (NM_001351834.2); c.641-20044T>G (NM_001330368.2); c.*38+6105T>G (NM_001351110.2); short protein forms D2395A.
Identifiers: ClinVar variation 4747255 (VCV004747255.1).

ClinVar aggregate classification (germline): Uncertain significance (1 of 4 stars; one submission).

Conditions:
Ataxia-telangiectasia syndrome (AT). Also called: LOUIS-BAR SYNDROME; Cerebello-oculocutaneous telangiectasia; Immunodeficiency with ataxia telangiectasia; Ataxia-telangiectasia, complementation group D; AT, COMPLEMENTATION GROUP C; ATAXIA-TELANGIECTASIA, COMPLEMENTATION GROUP A. Identifiers: Orphanet 100, MedGen C0004135, MONDO:0008840, OMIM 208900.

Submission:

Labcorp Genetics (formerly Invitae), Labcorp
Classification: Uncertain significance for Ataxia-telangiectasia syndrome. Last evaluated: 2025-02-04. Review status: criteria provided, single submitter. Criteria: Invitae Variant Classification Sherloc (09022015). Collection method: clinical testing. Allele origin: germline.
Comment: This sequence change replaces aspartic acid, which is acidic and polar, with alanine, which is neutral and non-polar, at codon 2395 of the ATM protein (p.Asp2395Ala). This variant is not present in population databases (gnomAD no frequency). This variant has not been reported in the literature in individuals affected with ATM-related conditions. Invitae Evidence Modeling of protein sequence and biophysical properties (such as structural, functional, and spatial information, amino acid conservation, physicochemical variation, residue mobility, and thermodynamic stability) indicates that this missense variant is expected to disrupt ATM protein function with a positive predictive value of 95%. In summary, the available evidence is currently insufficient to determine the role of this variant in disease. Therefore, it has been classified as a Variant of Uncertain Significance.